The following is an entry in ClinVar:

ClinVar aggregate classification (germline): Uncertain significance. Review status: criteria provided, multiple submitters, no conflicts (2 of 4 stars). 2 submissions from 2 submitters: Uncertain significance (2). Last evaluated 2026-04-19.

Conditions:
Autosomal recessive limb-girdle muscular dystrophy type 2Q (LGMDR17). Also called: MUSCULAR DYSTROPHY, LIMB-GIRDLE, AUTOSOMAL RECESSIVE 17. Identifiers: Orphanet 254361, MedGen C3150989, MONDO:0013390, OMIM 613723.
Epidermolysis bullosa simplex, Ogna type (EBS5A). Also called: Pidermolysis bullosa simplex 5A, Ogna type; EPIDERMOLYSIS BULLOSA SIMPLEX 5A, OGNA TYPE. Identifiers: Orphanet 79401, MedGen C0432317, MONDO:0007555, OMIM 131950.
Epidermolysis bullosa simplex 5B, with muscular dystrophy (EBS5B). Also called: EPIDERMOLYSIS BULLOSA SIMPLEX AND LIMB-GIRDLE MUSCULAR DYSTROPHY; Epidermolysis bullosa simplex with muscular dystrophy. Identifiers: Orphanet 257, MedGen C2931072, MONDO:0009181, OMIM 226670.
Epidermolysis bullosa simplex 5C, with pyloric atresia (EBS5C). Also called: PLEC-Related Epidermolysis Bullosa with Pyloric Atresia; Epidermolysis bullosa simplex with pyloric atresia; PLEC1-Related Epidermolysis Bullosa with Pyloric Atresia. Identifiers: Orphanet 158684, MedGen C2677349, MONDO:0012807, OMIM 612138.
Epidermolysis bullosa simplex with nail dystrophy (EBS5D). Identifiers: MedGen C4225309, MONDO:0014661, OMIM 616487.
PLEC-related disorder. Also called: PLEC-related disorders; PLEC-related condition.

Submissions (2):

PreventionGenetics, part of Exact Sciences
Classification: Uncertain significance for PLEC-related condition. Last evaluated: 2026-04-19. Review status: criteria provided, single submitter. Criteria: ACMG Guidelines, 2015. Collection method: clinical testing. Allele origin: germline.
Comment: The PLEC c.4150G>C variant is predicted to result in the amino acid substitution p.Glu1384Gln. To our knowledge, this variant has not been reported in the literature or in a large population database (gnomAD), indicating this variant is rare. At this time, the clinical significance of this variant is uncertain due to the absence of conclusive functional and genetic evidence.

Labcorp Genetics (formerly Invitae), Labcorp
Classification: Uncertain significance for Autosomal recessive limb-girdle muscular dystrophy type 2Q; Epidermolysis bullosa simplex, Ogna type; Epidermolysis bullosa simplex with nail dystrophy; Epidermolysis bullosa simplex 5C, with pyloric atresia; Epidermolysis bullosa simplex 5B, with muscular dystrophy. Last evaluated: 2021-07-25. Review status: criteria provided, single submitter. Criteria: Invitae Variant Classification Sherloc (09022015). Collection method: clinical testing. Allele origin: germline.
Comment: In summary, the available evidence is currently insufficient to determine the role of this variant in disease. Therefore, it has been classified as a Variant of Uncertain Significance. Algorithms developed to predict the effect of missense changes on protein structure and function are either unavailable or do not agree on the potential impact of this missense change (SIFT: "Deleterious"; PolyPhen-2: "Not Available"; Align-GVGD: "Class C25"). This variant has not been reported in the literature in individuals affected with PLEC-related conditions. The frequency data for this variant in the population databases is considered unreliable, as metrics indicate insufficient coverage at this position in the ExAC database. This sequence change replaces glutamic acid with glutamine at codon 1384 of the PLEC protein (p.Glu1384Gln). The glutamic acid residue is highly conserved and there is a small physicochemical difference between glutamic acid and glutamine.

NM_201384.3(PLEC):c.4069G>C (p.Glu1357Gln)

Gene: PLEC (plectin; minus strand). Cytogenetic location: 8q24.3.
Variant type: single nucleotide variant.
Coding change: c.4069G>C on transcript NM_201384.3 (MANE Select); coding-DNA position 4069, G replaced by C.
Protein change: p.Glu1357Gln; replaces glutamic acid 1357 with glutamine.
Molecular consequence: missense variant.
Genome position (GRCh38, 1-based): chr8:143,925,860, C>G on the plus strand (G>C on the coding strand, the complement: PLEC is on the minus strand). VCF-style: chr8-143925860-C-G. GRCh37 (hg19) VCF-style: chr8-145000028-C-G.
Other names: c.4150G>C, p.Glu1384Gln (NM_000445.5); c.4027G>C, p.Glu1343Gln (NM_201378.4); c.4003G>C, p.Glu1335Gln (NM_201379.3); c.4480G>C, p.Glu1494Gln (NM_201380.4); c.3973G>C, p.Glu1325Gln (NM_201381.3); c.4069G>C, p.Glu1357Gln (NM_201382.4); c.4081G>C, p.Glu1361Gln (NM_201383.3); c.4150G>C (NM_000445.4); short protein forms E1325Q, E1335Q, E1343Q, E1357Q, E1384Q, E1494Q, E1361Q.
Identifiers: ClinVar variation 1445300 (VCV001445300.9), dbSNP rs1301230353, ClinGen allele CA372561515.